The following is an entry in ClinVar:

ClinVar aggregate classification (germline): Pathogenic/Likely pathogenic. Review status: criteria provided, multiple submitters, no conflicts (2 of 4 stars). 5 submissions from 5 submitters: Pathogenic (3); Likely pathogenic (1). 1 of the submissions does not count toward it. Last evaluated 2025-12-17.

Conditions:
Inborn genetic diseases. Identifiers: MedGen C0950123, MeSH D030342.
Charcot-Marie-Tooth disease type 2E (CMT2E). Also called: CHARCOT-MARIE-TOOTH NEUROPATHY, TYPE 2E; CHARCOT-MARIE-TOOTH DISEASE, AXONAL, TYPE 2E. Identifiers: Orphanet 99939, MedGen C1843225, MONDO:0011894, OMIM 607684.

Submissions (5):

Labcorp Genetics (formerly Invitae), Labcorp
Classification: Pathogenic for Charcot-Marie-Tooth disease type 2E. Last evaluated: 2025-12-17. Review status: criteria provided, single submitter. Criteria: Invitae Variant Classification Sherloc (09022015). Collection method: clinical testing. Allele origin: germline.
Comment: This sequence change replaces proline, which is neutral and non-polar, with leucine, which is neutral and non-polar, at codon 8 of the NEFL protein (p.Pro8Leu). This variant is not present in population databases (gnomAD no frequency). This missense change has been observed in individual(s) with autosomal dominant Charcot-Marie-Tooth disease (PMID: 12566280, 19158810). In at least one individual the variant was observed to be de novo. ClinVar contains an entry for this variant (Variation ID: 66689). Invitae Evidence Modeling of protein sequence and biophysical properties (such as structural, functional, and spatial information, amino acid conservation, physicochemical variation, residue mobility, and thermodynamic stability) has been performed for this missense variant. However, the output from this modeling did not meet the statistical confidence thresholds required to predict the impact of this variant on NEFL protein function. This variant disrupts the p.Pro8 amino acid residue in NEFL. Other variant(s) that disrupt this residue have been determined to be pathogenic (PMID: 12393795, 12566280, 17620486). This suggests that this residue is clinically significant, and that variants that disrupt this residue are likely to be disease-causing. For these reasons, this variant has been classified as Pathogenic.

Clinical Genetics Laboratory, Skane University Hospital Lund
Classification: Likely pathogenic for Charcot-Marie-Tooth disease type 2E. Last evaluated: 2025-05-26. Review status: criteria provided, single submitter. Criteria: ACMG Guidelines, 2015. Collection method: clinical testing. Allele origin: germline. Affected: yes.
Comment: PS2 moderat, PS3 supporting, PS4 moderate, PM2 and PM5

GeneDx
Classification: Pathogenic. Last evaluated: 2024-06-14. Review status: criteria provided, single submitter. Criteria: GeneDx Variant Classification Process June 2021. Collection method: clinical testing. Allele origin: germline. Affected: yes.
Comment: Published functional studies demonstrate that this variant results in the accumulation of mutant proteins and defective targeting of neurofilaments (PMID: 15282209); Not observed at significant frequency in large population cohorts (gnomAD); This variant is associated with the following publications: (PMID: 38578900, 12566280, 35771920, 17620486, 12393795, 19123978, 33359733, 14586770, 38401181, 19539727, 35044100, 19158810, 15282209)

Ambry Genetics
Classification: Pathogenic for Inborn genetic diseases. Last evaluated: 2023-04-11. Review status: criteria provided, single submitter. Criteria: Ambry Variant Classification Scheme 2023. Collection method: clinical testing. Allele origin: germline.
Comment: The c.23C>T (p.P8L) alteration is located in exon 1 (coding exon 1) of the NEFL gene. This alteration results from a C to T substitution at nucleotide position 23, causing the proline (P) at amino acid position 8 to be replaced by a leucine (L). This variant is expected to be causative of autosomal dominant NEFL-related Charcot-Marie-Tooth; however, its clinical significance for autosomal recessive NEFL-related Charcot-Marie-Tooth disease is unclear. This variant was not reported in population-based cohorts in the Genome Aggregation Database (gnomAD). This alteration has been detected in the heterozygous state in multiple individuals with clinical features of autosomal dominant NEFL-related Charcot-Marie-Tooth disease (Kim, 2022; Jordanova, 2003; Abe, 2020). This amino acid position is not well conserved in available vertebrate species. Based on internal structural analysis, P8L is deleterious. The variant has an important role in aggregate formation and 14-3-3 protein association. In addition, there is another pathogenic variant (P8R) at the same position (Zhou, 2022; Miao, 2020; Perez-Olle, 2004). Functional studies show aberrant neurofilament formation in vitro compared to controls (Miao, 2020; Perez-Olle, 2004). The in silico prediction for this alteration is inconclusive. Based on the available evidence, this alteration is classified as pathogenic.

Epithelial Biology;  Institute of Medical Biology, Singapore
No classification provided. Review status: no classification provided. Collection method: not provided. Allele origin: not provided. Not counted in ClinVar's aggregate classification.

Literature cited by the submitters: PubMed 12566280 (cited by Labcorp Genetics (formerly Invitae), Labcorp and Ambry Genetics); PubMed 19158810 (cited by Labcorp Genetics (formerly Invitae), Labcorp and Ambry Genetics); PubMed 12393795 (cited by Labcorp Genetics (formerly Invitae), Labcorp); PubMed 17620486 (cited by Labcorp Genetics (formerly Invitae), Labcorp); PubMed 15282209 (cited by Ambry Genetics); PubMed 23230147 (cited by Ambry Genetics); PubMed 35044100 (cited by Ambry Genetics); PubMed 35771920 (cited by Ambry Genetics).

NM_006158.5(NEFL):c.23C>T (p.Pro8Leu)

Gene: NEFL (neurofilament light chain; minus strand). Cytogenetic location: 8p21.2.
Variant type: single nucleotide variant.
Coding change: c.23C>T on transcript NM_006158.5 (MANE Select); coding-DNA position 23, C replaced by T.
Protein change: p.Pro8Leu; replaces proline 8 with leucine.
Molecular consequence: missense variant.
Genome position (GRCh38, 1-based): chr8:24,956,493, G>A on the plus strand (C>T on the coding strand, the complement: NEFL is on the minus strand). VCF-style: chr8-24956493-G-A. GRCh37 (hg19) VCF-style: chr8-24814007-G-A.
Other names: short protein forms P8L.
Identifiers: ClinVar variation 66689 (VCV000066689.11), dbSNP rs61491953, ClinGen allele CA217537.